The following is an entry in ClinVar:

ClinVar aggregate classification (germline): Pathogenic. Review status: criteria provided, multiple submitters, no conflicts (2 of 4 stars). 5 submissions from 5 submitters: Pathogenic (4). 1 of the submissions does not count toward it. Last evaluated 2025-10-23.

Conditions:
Early-infantile DEE. Also called: Early infantile epileptic encephalopathy; Ohtahara syndrome; Early infantile epileptic encephalopathy with suppression bursts. Identifiers: Orphanet 1934, MedGen C0393706, MONDO:0800491.
Seizures, benign familial neonatal, 1. Also called: KCNQ2-Related Benign Familial Neonatal Epilepsy; Benign Neonatal Epilepsy 1; KCNQ2-Related Self-Limited Familial Neonatal Epilepsy (SLFNE); Seizures, benign neonatal, 1. Identifiers: Orphanet 1949, MedGen C3149074, MONDO:0007365, OMIM 121200.
Developmental and epileptic encephalopathy, 7 (DEE7). Also called: KCNQ2-Related Neonatal Epileptic Encephalopathy; Early infantile epileptic encephalopathy 7; KCNQ2-Related Neonatal-Onset Developmental and Epileptic Encephalopathy (NEO-DEE). Identifiers: Orphanet 439218, MedGen C3150986, MONDO:0013387, OMIM 613720.

Submissions (5):

Labcorp Genetics (formerly Invitae), Labcorp
Classification: Pathogenic for Early-infantile DEE. Last evaluated: 2025-10-23. Review status: criteria provided, single submitter. Criteria: Invitae Variant Classification Sherloc (09022015). Collection method: clinical testing. Allele origin: germline.
Comment: This sequence change replaces glycine, which is neutral and non-polar, with serine, which is neutral and polar, at codon 290 of the KCNQ2 protein (p.Gly290Ser). This variant is not present in population databases (gnomAD no frequency). This missense change has been observed in individual(s) with early onset epileptic encephalopathy (PMID: 23621294, 23692823, 27779742). In at least one individual the variant was observed to be de novo. ClinVar contains an entry for this variant (Variation ID: 369768). Invitae Evidence Modeling of protein sequence and biophysical properties (such as structural, functional, and spatial information, amino acid conservation, physicochemical variation, residue mobility, and thermodynamic stability) indicates that this missense variant is expected to disrupt KCNQ2 protein function with a positive predictive value of 95%. This variant disrupts the p.Gly290 amino acid residue in KCNQ2. Other variant(s) that disrupt this residue have been determined to be pathogenic (PMID: 22275249, 24318194). This suggests that this residue is clinically significant, and that variants that disrupt this residue are likely to be disease-causing. For these reasons, this variant has been classified as Pathogenic.

GeneDx
Classification: Pathogenic. Last evaluated: 2025-10-04. Review status: criteria provided, single submitter. Criteria: GeneDx Variant Classification Process June 2021. Collection method: clinical testing. Allele origin: germline. Affected: yes.
Comment: Not observed at significant frequency in large population cohorts (gnomAD); In silico analysis supports that this missense variant has a deleterious effect on protein structure/function; This substitution is predicted to be within the pore forming loop between the S5 and S6 transmembrane segments; This variant is associated with the following publications: (PMID: 27779742, 23692823, 23621294, 25959266, 34671977, 35365919, 37497102, 31440721, 36932231, 31175295, 38814296, 39915231)

Fulgent Genetics
Classification: Pathogenic for Seizures, benign familial neonatal, 1; Developmental and epileptic encephalopathy, 7. Last evaluated: 2024-03-08. Review status: criteria provided, single submitter. Criteria: ACMG Guidelines, 2015. Collection method: clinical testing. Allele origin: germline.

3billion
Classification: Pathogenic for Developmental and epileptic encephalopathy, 7. Last evaluated: 2021-10-02. Review status: criteria provided, single submitter. Criteria: ACMG Guidelines, 2015. Collection method: clinical testing. Allele origin: unknown. Affected: yes. Observed: 1 heterozygote.
Comment: The variant has been previously reported as de novoo in at least two similarly affected unrelated individuals (PMID: 27779742, 23692823, 23621294, PS2, PS4_M). The missense variant is located in a mutational hot spot and/or well-established functional domain in which established pathogenic variants have been reported (PM1). It is not observed in the gnomAD v2.1.1 dataset (PM2). A different missense change at the same codon (p.Gly290Val, p.Gly290Asp) has been reported as pathogenic (ClinVar ID:VCV000523563.1, PMID: 23621294, PM5). In silico tool predictions suggest damaging effect of the variant on gene or gene product (REVEL: 0.959, 3Cnet: 0.941, PP3). Therefore, this variant is classified as pathogenic according to the recommendation of ACMG/AMP guideline.

GeneReviews
No classification provided. Condition: Developmental and epileptic encephalopathy, 7. Review status: no classification provided. Collection method: literature only. Allele origin: germline. Affected: yes. Not counted in ClinVar's aggregate classification.
Comment: EE (epileptic encephalopathy)

Literature cited by the submitters: PubMed 23621294 (cited by 3 submitters); PubMed 23692823 (cited by 3 submitters); PubMed 27779742 (cited by Labcorp Genetics (formerly Invitae), Labcorp and 3billion); PubMed 22275249 (cited by Labcorp Genetics (formerly Invitae), Labcorp); PubMed 24318194 (cited by Labcorp Genetics (formerly Invitae), Labcorp); NCBI Bookshelf NBK32534 (cited by GeneReviews).

NM_172107.4(KCNQ2):c.868G>A (p.Gly290Ser)

Gene: KCNQ2 (potassium voltage-gated channel subfamily Q member 2; minus strand). Cytogenetic location: 20q13.33.
Variant type: single nucleotide variant.
Coding change: c.868G>A on transcript NM_172107.4 (MANE Select); coding-DNA position 868, G replaced by A.
Protein change: p.Gly290Ser; replaces glycine 290 with serine.
Molecular consequence: missense variant.
Genome position (GRCh38, 1-based): chr20:63,439,657, C>T on the plus strand (G>A on the coding strand, the complement: KCNQ2 is on the minus strand). VCF-style: chr20-63439657-C-T. GRCh37 (hg19) VCF-style: chr20-62071010-C-T.
Other names: c.868G>A, p.Gly290Ser (NM_004518.6, NM_172106.3, NM_172108.5 and 1 more transcripts); short protein forms G290S.
Identifiers: ClinVar variation 369768 (VCV000369768.15), dbSNP rs1057516098, ClinGen allele CA10654811.